The following is an entry in ClinVar:

ClinVar aggregate classification (germline): Conflicting classifications of pathogenicity. Review status: criteria provided, conflicting classifications (1 of 4 stars). 6 submissions from 6 submitters: Uncertain significance (5); Likely benign (1). Last evaluated 2025-09-19.

Conditions:
Hereditary cancer-predisposing syndrome. Also called: Hereditary neoplastic syndrome; Neoplastic Syndromes, Hereditary; Hereditary Cancer Syndrome; Tumor predisposition. Identifiers: Orphanet 140162, MedGen C0027672, MeSH D009386, MONDO:0015356.
Breast-ovarian cancer, familial, susceptibility to, 2 (BROVCA2). Also called: BRCA2 Hereditary Breast and Ovarian Cancer. Identifiers: Orphanet 145, MedGen C2675520, MONDO:0012933, OMIM 612555. Disease mechanism: loss of function.
Hereditary breast ovarian cancer syndrome. Also called: Hereditary breast and ovarian cancer; Hereditary breast and ovarian cancer syndrome (HBOC); Breast and ovarian cancer; BRCA1- and BRCA2-Associated Hereditary Breast and Ovarian Cancer; Hereditary breast and/or ovarian cancer syndrome; Hereditary breast and ovarian cancer syndrome. Identifiers: Orphanet 145, MedGen C0677776, MeSH D061325, MONDO:0003582. Disease mechanism: loss of function.

Allele frequency attached by ClinVar (database versions not stated): gnomAD exomes below 0.00001; TOPMed 0.00001.
gnomAD v4.1: 1 of 1,613,786 alleles (0.000062%); highest among the groups gnomAD compares: African/African-American, 0.0013%; no homozygotes.

Submissions (6):

Ambry Genetics
Classification: Uncertain significance for Hereditary cancer-predisposing syndrome. Last evaluated: 2025-09-19. Review status: criteria provided, single submitter. Criteria: Ambry Variant Classification Scheme 2023. Collection method: clinical testing. Allele origin: germline.
Comment: The p.K1015T variant (also known as c.3044A>C), located in coding exon 10 of the BRCA2 gene, results from an A to C substitution at nucleotide position 3044. The lysine at codon 1015 is replaced by threonine, an amino acid with similar properties. This amino acid position is highly conserved in available vertebrate species. In addition, the in silico prediction for this alteration is inconclusive. Since supporting evidence is limited at this time, the clinical significance of this alteration remains unclear.

University of Washington Department of Laboratory Medicine, University of Washington
Classification: Likely benign for Hereditary cancer-predisposing syndrome. Last evaluated: 2023-03-23. Review status: criteria provided, single submitter. Criteria: Dines et al. (Genet Med. 2020). Collection method: curation. Allele origin: germline.
Comment: Missense variant in a coldspot region where missense variants are very unlikely to be pathogenic (PMID:31911673).

BRCA2 exon 11 coldspot. Reclassification based on statistical prior probability.

All of Us Research Program, National Institutes of Health
Classification: Uncertain significance for Breast-ovarian cancer, familial, susceptibility to, 2. Last evaluated: 2023-03-07. Review status: criteria provided, single submitter. Criteria: ACMG Guidelines, 2015. Collection method: clinical testing. Allele origin: germline. Inheritance: Autosomal dominant inheritance. Observed: 1 variant allele, 1 heterozygote.
Comment: This missense variant replaces lysine with threonine at codon 1015 of the BRCA2 protein. Computational prediction is inconclusive regarding the impact of this variant on protein structure and function (internally defined REVEL score threshold 0.5 < inconclusive < 0.7, PMID: 27666373). Splice site prediction tools suggest that this variant may not impact RNA splicing. To our knowledge, functional studies have not been performed for this variant. This variant has been reported in an individual affected with colon cancer (PMID: 29684080). This variant has not been identified in the general population by the Genome Aggregation Database (gnomAD). The available evidence is insufficient to determine the role of this variant in disease conclusively. Therefore, this variant is classified as a Variant of Uncertain Significance.

This study involves interpretation of variants in research participants for the purpose of population health screening. Participant phenotype was not available at the time of variant classification. Additional details can be found in publication PMID: 35346344, PMCID: PMC8962531

Color Diagnostics, LLC DBA Color Health
Classification: Uncertain significance for Hereditary cancer-predisposing syndrome. Last evaluated: 2023-02-01. Review status: criteria provided, single submitter. Criteria: ACMG Guidelines, 2015. Collection method: clinical testing. Allele origin: germline.
Comment: This missense variant replaces lysine with threonine at codon 1015 of the BRCA2 protein. Computational prediction is inconclusive regarding the impact of this variant on protein structure and function (internally defined REVEL score threshold 0.5 < inconclusive < 0.7, PMID: 27666373). To our knowledge, functional studies have not been performed for this variant. This variant has been reported in an individual affected with colon cancer (PMID: 29684080). This variant has not been identified in the general population by the Genome Aggregation Database (gnomAD). The available evidence is insufficient to determine the role of this variant in disease conclusively. Therefore, this variant is classified as a Variant of Uncertain Significance.

Labcorp Genetics (formerly Invitae), Labcorp
Classification: Uncertain significance for Hereditary breast ovarian cancer syndrome. Last evaluated: 2022-07-21. Review status: criteria provided, single submitter. Criteria: Invitae Variant Classification Sherloc (09022015). Collection method: clinical testing. Allele origin: germline.
Comment: This variant has not been reported in the literature in individuals affected with BRCA2-related conditions. In summary, the available evidence is currently insufficient to determine the role of this variant in disease. Therefore, it has been classified as a Variant of Uncertain Significance. Advanced modeling of protein sequence and biophysical properties (such as structural, functional, and spatial information, amino acid conservation, physicochemical variation, residue mobility, and thermodynamic stability) performed at Invitae indicates that this missense variant is not expected to disrupt BRCA2 protein function. ClinVar contains an entry for this variant (Variation ID: 574863). This variant is not present in population databases (gnomAD no frequency). This sequence change replaces lysine, which is basic and polar, with threonine, which is neutral and polar, at codon 1015 of the BRCA2 protein (p.Lys1015Thr).

Quest Diagnostics Nichols Institute San Juan Capistrano
Classification: Uncertain significance. Last evaluated: 2018-09-24. Review status: criteria provided, single submitter. Criteria: Quest Diagnostics criteria. Collection method: clinical testing. Allele origin: germline.

Literature cited by the submitters: PubMed 29684080 (cited by All of Us Research Program, National Institutes of Health and Color Diagnostics, LLC DBA Color Health).

NM_000059.4(BRCA2):c.3044A>C (p.Lys1015Thr)

Gene: BRCA2 (BRCA2 DNA repair associated; plus strand). Cytogenetic location: 13q13.1.
Variant type: single nucleotide variant.
Coding change: c.3044A>C on transcript NM_000059.4 (MANE Select); coding-DNA position 3044, A replaced by C.
Protein change: p.Lys1015Thr; replaces lysine 1015 with threonine.
Molecular consequence: missense variant.
Genome position (GRCh38, 1-based): chr13:32,337,399, A>C. VCF-style: chr13-32337399-A-C. GRCh37 (hg19) VCF-style: chr13-32911536-A-C.
Other names: short protein forms K1015T.
Identifiers: ClinVar variation 574863 (VCV000574863.20), dbSNP rs1000398743, ClinGen allele CA247503555.
Genomic context (GRCh38, chr13:32,337,399, plus strand): 5'-GACTCTTAGGTCCAATTTCAAATCACAGTTTTGGAGGTAGCTTCAGAACAGCTTCAAATA[A>C]GGAAATCAAGCTCTCTGAACATAACATTAAGAAGAGCAAAATGTTCTTCAAAGATATTGA-3'
Protein context (NP_000050.3, residues 1005-1025): FGGSFRTASN[Lys1015Thr]EIKLSEHNIK